The following is an entry in ClinVar:

ClinVar aggregate classification (germline): Uncertain significance. Review status: criteria provided, multiple submitters, no conflicts (2 of 4 stars). 2 submissions from 2 submitters: Uncertain significance (2). Last evaluated 2025-05-18.

Conditions:
Inborn genetic diseases. Identifiers: MedGen C0950123, MeSH D030342.

Allele frequency attached by ClinVar (database versions not stated): gnomAD exomes 0.00001; gnomAD 0.00003; ExAC 0.00004; TOPMed 0.00004; 1000 Genomes Project 30x 0.00016; 1000 Genomes Project 0.00020.
gnomAD v4.1: 29 of 1,614,176 alleles (0.0018%); highest among the groups gnomAD compares: East Asian, 0.042%; no homozygotes.

Submissions (2):

Labcorp Genetics (formerly Invitae), Labcorp
Classification: Uncertain significance. Last evaluated: 2025-05-18. Review status: criteria provided, single submitter. Criteria: Invitae Variant Classification Sherloc (09022015). Collection method: clinical testing. Allele origin: germline.
Comment: This sequence change replaces arginine, which is basic and polar, with histidine, which is basic and polar, at codon 178 of the MYO5B protein (p.Arg178His). This variant is present in population databases (rs567083385, gnomAD 0.08%). This variant has not been reported in the literature in individuals affected with MYO5B-related conditions. ClinVar contains an entry for this variant (Variation ID: 3165406). Invitae Evidence Modeling of protein sequence and biophysical properties (such as structural, functional, and spatial information, amino acid conservation, physicochemical variation, residue mobility, and thermodynamic stability) has been performed for this missense variant. However, the output from this modeling did not meet the statistical confidence thresholds required to predict the impact of this variant on MYO5B protein function. In summary, the available evidence is currently insufficient to determine the role of this variant in disease. Therefore, it has been classified as a Variant of Uncertain Significance.

Ambry Genetics
Classification: Uncertain significance for Inborn genetic diseases. Last evaluated: 2024-02-21. Review status: criteria provided, single submitter. Criteria: Ambry Variant Classification Scheme 2023. Collection method: clinical testing. Allele origin: germline.

NM_001080467.3(MYO5B):c.533G>A (p.Arg178His)

Gene: MYO5B (myosin VB; minus strand). Cytogenetic location: 18q21.1.
Variant type: single nucleotide variant.
Coding change: c.533G>A on transcript NM_001080467.3 (MANE Select); coding-DNA position 533, G replaced by A.
Protein change: p.Arg178His; replaces arginine 178 with histidine.
Molecular consequence: missense variant.
Genome position (GRCh38, 1-based): chr18:50,001,334, C>T on the plus strand (G>A on the coding strand, the complement: MYO5B is on the minus strand). VCF-style: chr18-50001334-C-T. GRCh37 (hg19) VCF-style: chr18-47527704-C-T.
Other names: short protein forms R178H.
Identifiers: ClinVar variation 3165406 (VCV003165406.2), dbSNP rs567083385, ClinGen allele CA8961861.